The following is an entry in ClinVar:

ClinVar aggregate classification (germline): Uncertain significance (1 of 4 stars; one submission).

Conditions:
Orthostatic hypotension 1 (ORTHYP1). Also called: Dopamine beta-hydroxylase deficiency; NORADRENALINE DEFICIENCY; NOREPINEPHRINE DEFICIENCY; Orthostatic hypotension 1, due to DBH deficiency. Identifiers: Orphanet 230, MedGen C4746777, MONDO:0009123, OMIM 223360.

Allele frequency attached by ClinVar (database versions not stated): gnomAD 0.00004; ExAC 0.00006; ESP Exome Variant Server 0.00008.
gnomAD v4.1: 66 of 1,614,076 alleles (0.0041%); highest among the groups gnomAD compares: East Asian, 0.013%; no homozygotes.

Submission:

Labcorp Genetics (formerly Invitae), Labcorp
Classification: Uncertain significance for Orthostatic hypotension 1. Last evaluated: 2024-01-08. Review status: criteria provided, single submitter. Criteria: Invitae Variant Classification Sherloc (09022015). Collection method: clinical testing. Allele origin: germline.
Comment: This sequence change replaces alanine, which is neutral and non-polar, with threonine, which is neutral and polar, at codon 362 of the DBH protein (p.Ala362Thr). This variant is present in population databases (rs368994366, gnomAD 0.02%). This variant has not been reported in the literature in individuals affected with DBH-related conditions. ClinVar contains an entry for this variant (Variation ID: 2187569). Advanced modeling of protein sequence and biophysical properties (such as structural, functional, and spatial information, amino acid conservation, physicochemical variation, residue mobility, and thermodynamic stability) performed at Invitae indicates that this missense variant is expected to disrupt DBH protein function with a positive predictive value of 80%. In summary, the available evidence is currently insufficient to determine the role of this variant in disease. Therefore, it has been classified as a Variant of Uncertain Significance.

NM_000787.4(DBH):c.1084G>A (p.Ala362Thr)

Gene: DBH (dopamine beta-hydroxylase; plus strand). Cytogenetic location: 9q34.2.
Variant type: single nucleotide variant.
Coding change: c.1084G>A on transcript NM_000787.4 (MANE Select); coding-DNA position 1084, G replaced by A.
Protein change: p.Ala362Thr; replaces alanine 362 with threonine.
Molecular consequence: missense variant.
Genome position (GRCh38, 1-based): chr9:133,647,905, G>A. VCF-style: chr9-133647905-G-A. GRCh37 (hg19) VCF-style: chr9-136513027-G-A.
Other names: short protein forms A362T.
Identifiers: ClinVar variation 2187569 (VCV002187569.4), dbSNP rs368994366, ClinGen allele CA5313309.